The following is an entry in ClinVar:

NM_000059.4(BRCA2):c.7549A>G (p.Thr2517Ala)

Gene: BRCA2 (BRCA2 DNA repair associated; plus strand). Cytogenetic location: 13q13.1.
Variant type: single nucleotide variant.
Coding change: c.7549A>G on transcript NM_000059.4 (MANE Select); coding-DNA position 7549, A replaced by G.
Protein change: p.Thr2517Ala; replaces threonine 2517 with alanine.
Molecular consequence: missense variant.
Genome position (GRCh38, 1-based): chr13:32,356,541, A>G. VCF-style: chr13-32356541-A-G. GRCh37 (hg19) VCF-style: chr13-32930678-A-G.
Other names: short protein forms T2517A.
Identifiers: ClinVar variation 919706 (VCV000919706.15), dbSNP rs2072697978, ClinGen allele CA387743679.

ClinVar aggregate classification (germline): Uncertain significance. Review status: criteria provided, multiple submitters, no conflicts (2 of 4 stars). 4 submissions from 4 submitters: Uncertain significance (4). Last evaluated 2023-08-07.

Conditions:
Hereditary cancer-predisposing syndrome. Also called: Hereditary Cancer Syndrome; Hereditary neoplastic syndrome; Neoplastic Syndromes, Hereditary; Tumor predisposition. Identifiers: Orphanet 140162, MedGen C0027672, MeSH D009386, MONDO:0015356.
Hereditary breast ovarian cancer syndrome. Also called: BRCA1- and BRCA2-Associated Hereditary Breast and Ovarian Cancer; Hereditary breast and ovarian cancer syndrome; Hereditary breast and ovarian cancer syndrome (HBOC); Breast and ovarian cancer; Hereditary breast and ovarian cancer; Hereditary breast and/or ovarian cancer syndrome. Identifiers: Orphanet 145, MedGen C0677776, MeSH D061325, MONDO:0003582. Disease mechanism: loss of function.
Breast-ovarian cancer, familial, susceptibility to, 2 (BROVCA2). Also called: BRCA2 Hereditary Breast and Ovarian Cancer. Identifiers: Orphanet 145, MedGen C2675520, MONDO:0012933, OMIM 612555. Disease mechanism: loss of function.
Familial cancer of breast. Also called: hereditary breast carcinoma; BREAST CANCER, FAMILIAL; Hereditary breast cancer. Identifiers: Orphanet 227535, MedGen C0346153, MONDO:0016419, OMIM 114480. Disease mechanism: loss of function.

gnomAD v4.1: 1 of 1,614,074 alleles (0.000062%); highest among the groups gnomAD compares: East Asian, 0.0022%; no homozygotes.

Submissions (4):

Baylor Genetics
Classification: Uncertain significance for Familial cancer of breast. Last evaluated: 2023-08-07. Review status: criteria provided, single submitter. Criteria: ACMG Guidelines, 2015. Collection method: clinical testing. Allele origin: unknown.

All of Us Research Program, National Institutes of Health
Classification: Uncertain significance for Breast-ovarian cancer, familial, susceptibility to, 2. Last evaluated: 2023-06-26. Review status: criteria provided, single submitter. Criteria: ACMG Guidelines, 2015. Collection method: clinical testing. Allele origin: germline. Inheritance: Autosomal dominant inheritance. Observed: 1 variant allele, 1 heterozygote.
Comment: This missense variant replaces threonine with alanine at codon 2517 of the BRCA2 protein. Computational prediction suggests that this variant may not impact protein structure and function (internally defined REVEL score threshold <= 0.5, PMID: 27666373). This variant has been reported to be functional in a haploidized cell proliferation assay (PMID: 35190686). This variant has been reported in an individual with a personal or family history of breast or ovarian cancer and in an unaffected individual (PMID: 29176636, 33471991; Leiden Open Variation Database DB-ID BRCA2_000622). This variant has not been identified in the general population by the Genome Aggregation Database (gnomAD). The available evidence is insufficient to determine the role of this variant in disease conclusively. Therefore, this variant is classified as a Variant of Uncertain Significance.

This study involves interpretation of variants in research participants for the purpose of population health screening. Participant phenotype was not available at the time of variant classification. Additional details can be found in publication PMID: 35346344, PMCID: PMC8962531

Color Diagnostics, LLC DBA Color Health
Classification: Uncertain significance for Hereditary cancer-predisposing syndrome. Last evaluated: 2023-06-15. Review status: criteria provided, single submitter. Criteria: ACMG Guidelines, 2015. Collection method: clinical testing. Allele origin: germline.
Comment: This missense variant replaces threonine with alanine at codon 2517 of the BRCA2 protein. Computational prediction suggests that this variant may not impact protein structure and function (internally defined REVEL score threshold <= 0.5, PMID: 27666373). This variant has been reported to be functional in a haploidized cell proliferation assay (PMID: 35190686). This variant has been reported in an individual with a personal or family history of breast or ovarian cancer and in an unaffected individual (PMID: 29176636, 33471991; Leiden Open Variation Database DB-ID BRCA2_000622). This variant has not been identified in the general population by the Genome Aggregation Database (gnomAD). The available evidence is insufficient to determine the role of this variant in disease conclusively. Therefore, this variant is classified as a Variant of Uncertain Significance.

Labcorp Genetics (formerly Invitae), Labcorp
Classification: Uncertain significance for Hereditary breast ovarian cancer syndrome. Last evaluated: 2021-05-28. Review status: criteria provided, single submitter. Criteria: Invitae Variant Classification Sherloc (09022015). Collection method: clinical testing. Allele origin: germline.
Comment: This sequence change replaces threonine with alanine at codon 2517 of the BRCA2 protein (p.Thr2517Ala). The threonine residue is moderately conserved and there is a small physicochemical difference between threonine and alanine. This variant is not present in population databases (ExAC no frequency). In summary, the available evidence is currently insufficient to determine the role of this variant in disease. Therefore, it has been classified as a Variant of Uncertain Significance. Advanced modeling of protein sequence and biophysical properties (such as structural, functional, and spatial information, amino acid conservation, physicochemical variation, residue mobility, and thermodynamic stability) performed at Invitae indicates that this missense variant is not expected to disrupt BRCA2 protein function. This variant has been observed in individual(s) with breast and/or ovarian cancer (PMID: 29176636). ClinVar contains an entry for this variant (Variation ID: 919706).

Literature cited by the submitters: PubMed 29176636 (cited by 3 submitters); PubMed 33471991 (cited by All of Us Research Program, National Institutes of Health and Color Diagnostics, LLC DBA Color Health); PubMed 35190686 (cited by All of Us Research Program, National Institutes of Health and Color Diagnostics, LLC DBA Color Health).